The following is an entry in ClinVar:

ClinVar aggregate classification (germline): Uncertain significance (1 of 4 stars; one submission).

gnomAD v4.1: 4 of 1,614,062 alleles (0.00025%); highest among the groups gnomAD compares: African/African-American, 0.0053%; no homozygotes.

Submission:

GeneDx
Classification: Uncertain significance. Last evaluated: 2023-11-03. Review status: criteria provided, single submitter. Criteria: GeneDx Variant Classification Process June 2021. Collection method: clinical testing. Allele origin: germline. Affected: yes.
Comment: Not observed at significant frequency in large population cohorts (gnomAD); In silico analysis supports that this missense variant has a deleterious effect on protein structure/function; Has not been previously published as pathogenic or benign to our knowledge

NM_005548.3(KARS1):c.697G>C (p.Asp233His)

Gene: KARS1 (lysyl-tRNA synthetase 1; minus strand). Cytogenetic location: 16q23.1.
Variant type: single nucleotide variant.
Coding change: c.697G>C on transcript NM_005548.3 (MANE Select); coding-DNA position 697, G replaced by C.
Protein change: p.Asp233His; replaces aspartic acid 233 with histidine.
Molecular consequence: missense variant.
Genome position (GRCh38, 1-based): chr16:75,635,778, C>G on the plus strand (G>C on the coding strand, the complement: KARS1 is on the minus strand). VCF-style: chr16-75635778-C-G. GRCh37 (hg19) VCF-style: chr16-75669676-C-G.
Other names: c.781G>C, p.Asp261His (NM_001130089.2); c.229G>C, p.Asp77His (NM_001378148.1); short protein forms D233H, D261H, D77H.
Identifiers: ClinVar variation 3363536 (VCV003363536.1).